The following is an entry in ClinVar:

NM_001903.5(CTNNA1):c.2474_2661dup (p.Lys888Ter)

Gene: CTNNA1 (catenin alpha 1; plus strand). Cytogenetic location: 5q31.2.
Variant type: Duplication.
Coding change: c.2474_2661dup on transcript NM_001903.5 (MANE Select); coding-DNA positions 2474 to 2661, 188 bases duplicated.
Protein change: p.Lys888Ter; replaces lysine 888 with a stop codon.
Molecular consequence: nonsense. On other transcripts: 3 prime UTR variant (5).
Genome position (GRCh38, 1-based): chr5:138,933,842-138,934,029, 188 bases duplicated. GRCh37 (hg19): chr5:138,269,531-138,269,718.
Other names: c.*19_*206dup (NM_001290307.3, NM_001324002.1, NM_001324003.1 and 2 more transcripts); c.2165_2352dup, p.Lys785Ter (NM_001290309.3); c.2105_2292dup, p.Lys765Ter (NM_001290310.3); c.1364_1551dup, p.Lys518Ter (NM_001290312.1, NM_001323987.1, NM_001323988.1 and 12 more transcripts); c.2474_2661dup, p.Lys888Ter (NM_001323982.2, NM_001323983.1, NM_001323984.2); c.2447_2634dup, p.Lys879Ter (NM_001323985.2); c.2381_2568dup, p.Lys857Ter (NM_001323986.2); c.1229_1416dup, p.Lys473Ter (NM_001324001.1); and 3 more; short protein forms K405*, K473*, K518*, K765*, K785*, K487*, K857*, K888*.
Identifiers: ClinVar variation 2831628 (VCV002831628.3), dbSNP rs2533948684, ClinGen allele CA2739275083.

ClinVar aggregate classification (germline): Uncertain significance (1 of 4 stars; one submission).

Submission:

Labcorp Genetics (formerly Invitae), Labcorp
Classification: Uncertain significance. Last evaluated: 2023-01-24. Review status: criteria provided, single submitter. Criteria: Invitae Variant Classification Sherloc (09022015). Collection method: clinical testing. Allele origin: germline.
Comment: This sequence change creates a premature translational stop signal (p.Lys888*) in the CTNNA1 gene. While this is not anticipated to result in nonsense mediated decay, it is expected to disrupt the last 19 amino acid(s) of the CTNNA1 protein. Experimental studies and prediction algorithms are not available or were not evaluated, and the functional significance of this variant is currently unknown. In summary, the available evidence is currently insufficient to determine the role of this variant in disease. Therefore, it has been classified as a Variant of Uncertain Significance. This variant has not been reported in the literature in individuals affected with CTNNA1-related conditions. This variant is not present in population databases (gnomAD no frequency).